The following is an entry in ClinVar:

NM_020745.4(AARS2):c.1661G>A (p.Arg554His)

Gene: AARS2 (alanyl-tRNA synthetase 2, mitochondrial; minus strand). Cytogenetic location: 6p21.1.
Variant type: single nucleotide variant.
Coding change: c.1661G>A on transcript NM_020745.4 (MANE Select); coding-DNA position 1661, G replaced by A.
Protein change: p.Arg554His; replaces arginine 554 with histidine.
Molecular consequence: missense variant.
Genome position (GRCh38, 1-based): chr6:44,304,736, C>T on the plus strand (G>A on the coding strand, the complement: AARS2 is on the minus strand). VCF-style: chr6-44304736-C-T. GRCh37 (hg19) VCF-style: chr6-44272473-C-T.
Other names: short protein forms R554H.
Identifiers: ClinVar variation 357067 (VCV000357067.44), dbSNP rs139280416, ClinGen allele CA3834251.

ClinVar aggregate classification (germline): Likely benign. Review status: criteria provided, multiple submitters, no conflicts (2 of 4 stars). 8 submissions from 8 submitters: Likely benign (8). Last evaluated 2025-03-05.

Conditions:
Combined oxidative phosphorylation defect type 8. Also called: CARDIOMYOPATHY, HYPERTROPHIC MITOCHONDRIAL, FATAL INFANTILE. Identifiers: Orphanet 319504, MedGen C4518839, MONDO:0013570, OMIM 614096.
Inborn genetic diseases. Identifiers: MedGen C0950123, MeSH D030342.

Allele frequency attached by ClinVar (database versions not stated): gnomAD 0.00014 and 0.00030; TOPMed 0.00015; ESP Exome Variant Server 0.00023; gnomAD exomes 0.00085; ExAC 0.00092; 1000 Genomes Project 30x 0.00125; 1000 Genomes Project 0.00140.
gnomAD v4.1: 835 of 1,614,222 alleles (0.052%); highest among the groups gnomAD compares: South Asian, 0.6%; 9 homozygotes.

Submissions (8):

Labcorp Genetics (formerly Invitae), Labcorp
Classification: Likely benign. Last evaluated: 2025-03-05. Review status: criteria provided, single submitter. Criteria: Invitae Variant Classification Sherloc (09022015). Collection method: clinical testing. Allele origin: germline.

Laboratory of Genetics, Children's Clinical University Hospital Latvia
Classification: Likely benign. Last evaluated: 2025-02-16. Review status: criteria provided, single submitter. Criteria: ACMG Guidelines, 2015. Collection method: clinical testing. Allele origin: germline. Affected: yes.

Blueprint Genetics
Classification: Likely benign. Last evaluated: 2024-11-13. Review status: criteria provided, single submitter. Criteria: ACMG Guidelines, 2015. Collection method: clinical testing. Allele origin: germline.

CeGaT Center for Human Genetics Tuebingen
Classification: Likely benign. Last evaluated: 2023-10-01. Review status: criteria provided, single submitter. Criteria: CeGaT Center For Human Genetics Tuebingen Variant Classification Criteria Version 2. Collection method: clinical testing. Allele origin: germline. Affected: yes. Observed: 1 variant allele.
Comment: AARS2: BP4

Ambry Genetics
Classification: Likely benign for Inborn genetic diseases. Last evaluated: 2022-03-29. Review status: criteria provided, single submitter. Criteria: Ambry Variant Classification Scheme 2023. Collection method: clinical testing. Allele origin: germline.

GeneDx
Classification: Likely benign. Last evaluated: 2020-12-17. Review status: criteria provided, single submitter. Criteria: GeneDx Variant Classification Process June 2021. Collection method: clinical testing. Allele origin: germline. Affected: yes.

Illumina Laboratory Services, Illumina
Classification: Likely benign for Combined oxidative phosphorylation defect type 8. Last evaluated: 2018-01-12. Review status: criteria provided, single submitter. Criteria: ICSL Variant Classification Criteria 13 December 2019. Collection method: clinical testing. Allele origin: germline.
Comment: This variant was observed in the ICSL laboratory as part of a predisposition screen in an ostensibly healthy population. It had not been previously curated by ICSL or reported in the Human Gene Mutation Database (HGMD: prior to June 1st, 2018), and was therefore a candidate for classification through an automated scoring system. Utilizing variant allele frequency, disease prevalence and penetrance estimates, and inheritance mode, an automated score was calculated to assess if this variant is too frequent to cause the disease. Based on the score and internal cut-off values, a variant classified as likely benign is not then subjected to further curation. The score for this variant resulted in a classification of likely benign for this disease.

Breakthrough Genomics
Classification: Likely benign. Review status: criteria provided, single submitter. Criteria: ACMG Guidelines, 2015. Collection method: not provided. Allele origin: germline. Inheritance: Autosomal recessive inheritance. Affected: yes.